The following is an entry in ClinVar:

ClinVar aggregate classification (germline): Pathogenic. Review status: criteria provided, multiple submitters, no conflicts (2 of 4 stars). 16 submissions from 16 submitters: Pathogenic (15). 1 of the submissions does not count toward it. Last evaluated 2026-04-23.

Conditions:
GJB2-related disorder. Also called: GJB2-related condition; GJB2-related disorders. Identifiers: MedGen CN382183, MONDO:1060236.
Monogenic hearing loss.
Rare genetic deafness. Identifiers: Orphanet 96210, MedGen C5680250.
Autosomal dominant keratitis-ichthyosis-hearing loss syndrome. Also called: Senter syndrome; KID SYNDROME, AUTOSOMAL DOMINANT; HID SYNDROME. Identifiers: Orphanet 477, MedGen C0265336, MONDO:0007850, OMIM 148210.
Autosomal recessive nonsyndromic hearing loss 1A (DFNB1A). Also called: GJB2-Related Autosomal Recessive Nonsyndromic Hearing Loss; GJB6-Related DFNB 1 Nonsyndromic Hearing Loss and Deafness; Connexin 26 deafness; Deafness nonsyndromic, Connexin 26 linked; Nonsyndromic Hearing Loss and Deafness, DFNB1; Deafness, autosomal recessive 1A. Identifiers: Orphanet 90636, MedGen C2673759, MONDO:0009076, OMIM 220290.
Palmoplantar keratoderma-deafness syndrome. Also called: Keratoderma palmoplantar, with deafness; Palmoplantar keratoderma and sensorineural deafness; Hereditary palmoplantar keratoderma with deafness (subtype); Focal palmoplantar keratoderma with sensorineural deafness (subtype); Diffuse palmoplantar keratoderma with deafness (subtype). Identifiers: Orphanet 2202, MedGen C1835672, MONDO:0007852, OMIM 148350.
Ichthyosis, hystrix-like, with hearing loss. Also called: Hystrix-like ichthyosis with deafness. Identifiers: Orphanet 477, MedGen C1865234, MONDO:0011245.
Knuckle pads, deafness AND leukonychia syndrome. Also called: Bart-Pumphrey syndrome. Identifiers: Orphanet 2698, MedGen C0266004, MONDO:0007866, OMIM 149200.
Autosomal dominant nonsyndromic hearing loss 3A. Identifiers: Orphanet 90635, MedGen C2675750, MONDO:0011103, OMIM 601544.
Mutilating keratoderma (VOWNKL). Also called: Keratoderma hereditarium mutilans. Identifiers: Orphanet 494, MedGen C0265964, MONDO:0007422, OMIM 124500.

Allele frequency attached by ClinVar (database versions not stated): ESP Exome Variant Server 0.00008; TOPMed 0.00013; gnomAD 0.00015 and 0.00017; ExAC 0.00004.
gnomAD v4.1: 57 of 1,613,850 alleles (0.0035%); highest among the groups gnomAD compares: African/African-American, 0.036%; no homozygotes.

Submissions 1 to 9 of 16:

PreventionGenetics, part of Exact Sciences
Classification: Pathogenic for GJB2-related condition. Last evaluated: 2026-04-23. Review status: criteria provided, single submitter. Criteria: ACMG Guidelines, 2015. Collection method: clinical testing. Allele origin: germline.
Comment: The GJB2 c.94C>T variant is predicted to result in the amino acid substitution p.Arg32Cys. This variant was previously reported to be causative for autosomal recessive nonsyndromic hearing loss in numerous unrelated individuals (Prasad et al. 2000. PubMed ID: 11102979; Dodson et al. 2011. PubMed ID: 21465647; Raymond et al. 2019. PubMed ID: 31163360; Xia et al. 2016. PubMed ID: 27045574; Carranza et al. 2016. PubMed ID: 26346709). This variant is reported in 0.036% of alleles in individuals of African descent in gnomAD. This variant is interpreted as pathogenic.

Labcorp Genetics (formerly Invitae), Labcorp
Classification: Pathogenic. Last evaluated: 2026-01-26. Review status: criteria provided, single submitter. Criteria: Invitae Variant Classification Sherloc (09022015). Collection method: clinical testing. Allele origin: germline.
Comment: This sequence change replaces arginine, which is basic and polar, with cysteine, which is neutral and slightly polar, at codon 32 of the GJB2 protein (p.Arg32Cys). This variant is present in population databases (rs371024165, gnomAD 0.04%). This missense change has been observed in individual(s) with autosomal recessive non-syndromic deafness (PMID: 11102979, 19371219, 21465647, 26346709, 27045574). In at least one individual the data is consistent with being in trans (on the opposite chromosome) from a pathogenic variant. ClinVar contains an entry for this variant (Variation ID: 188758). Invitae Evidence Modeling of protein sequence and biophysical properties (such as structural, functional, and spatial information, amino acid conservation, physicochemical variation, residue mobility, and thermodynamic stability) indicates that this missense variant is expected to disrupt GJB2 protein function with a positive predictive value of 95%. This variant disrupts the p.Arg32 amino acid residue in GJB2. Other variant(s) that disrupt this residue have been determined to be pathogenic (PMID: 19157576, 20154630, 22925408). This suggests that this residue is clinically significant, and that variants that disrupt this residue are likely to be disease-causing. For these reasons, this variant has been classified as Pathogenic.

Natera, Inc.
Classification: Pathogenic for Autosomal recessive deafness type 1A. Last evaluated: 2025-10-22. Review status: criteria provided, single submitter. Criteria: Natera Variant Classification Schema (03/2026). Collection method: clinical testing. Allele origin: germline.
Comment: The c.94C>T variant in GJB2 is a missense variant predicted to cause substitution of arginine to cysteine at amino acid 32. This variant is rare in the general population with a frequency below the threshold expected for the associated phenotype(s). This variant has been observed in one or more individuals affected with the associated recessive disease, as either homozygous or compound heterozygous with a second variant (PMID: 27067584, 26346709, 19371219, 19366456, 11493200). This variant has been found together with another disease-causing variant in the same copy of the gene (PMID: 15146474). A different variant at the same position has been determined to be Pathogenic or Likely Pathogenic. Computational prediction algorithms indicate this variant is likely to affect gene or protein function. Given the available evidence, this variant is classified as Pathogenic.

Variantyx, Inc.
Classification: Pathogenic for Autosomal recessive nonsyndromic hearing loss 1A. Last evaluated: 2025-08-20. Review status: criteria provided, single submitter. Criteria: Variantyx Assertion Criteria 2022. Collection method: clinical testing. Allele origin: germline. Inheritance: Autosomal recessive inheritance. Affected: yes.
Comment: This is a nonsynonymous variant in the GJB2 gene (OMIM: 121011). Pathogenic variants in this gene have been associated with autosomal recessive hearing loss 1A. Multiple computational algorithms predict a deleterious effect for this variant (REVEL score: 0.913) (PP3) and several alternate amino acid changes at this position (p.Arg32Leu, p.Arg32His, p.Arg32Ser) have been previously reported in similarly affected individuals, which suggests that this residue is biologically important (PMID: 19157576, 20154630, 22925408) (PM5_Strong). This variant has a 0.0360% maximum allele frequency in non-founder control populations. Based on the current evidence, this variant is classified as pathogenic for autosomal recessive hearing loss 1A.

Genetics Laboratory, Great Ormond Street Hospital NHS Foundation Trust, North Thames Genomic Laboratory Hub
Classification: Pathogenic for Monogenic hearing loss. Last evaluated: 2025-08-08. Review status: criteria provided, single submitter. Criteria: ACGS Best Practice Guidelines for Variant Classification in Rare Disease 2024 v1.2. Collection method: clinical testing. Allele origin: germline. Affected: yes.
Comment: PM2_moderate, PP3_supporting, PM5_strong, PM3_strong

GeneDx
Classification: Pathogenic. Last evaluated: 2025-01-08. Review status: criteria provided, single submitter. Criteria: GeneDx Variant Classification Process June 2021. Collection method: clinical testing. Allele origin: germline. Affected: yes.
Comment: In silico analysis supports that this missense variant has a deleterious effect on protein structure/function; This variant is associated with the following publications: (PMID: 27153395, 27045574, 19366456, 25087612, 25388846, 12865758, 16380907, 25270357, 14985372, 20381175, 27067584, 26540915, 22925408, 20083784, 19235794, 19157576, 17666888, 15967879, 12885339, 21465647, 31163360, 22695344, 15146474, 26346709, 19390476, 15365987, 11102979, 19371219, 30275481, 34426522, 36048236)

Fulgent Genetics
Classification: Pathogenic for Mutilating keratoderma; Autosomal dominant keratitis-ichthyosis-hearing loss syndrome; Palmoplantar keratoderma-deafness syndrome; Knuckle pads, deafness AND leukonychia syndrome; Autosomal recessive nonsyndromic hearing loss 1A; Autosomal dominant nonsyndromic hearing loss 3A. Last evaluated: 2024-04-19. Review status: criteria provided, single submitter. Criteria: ACMG Guidelines, 2015. Collection method: clinical testing. Allele origin: germline.

Laboratory for Molecular Medicine, Mass General Brigham Personalized Medicine
Classification: Pathogenic for Rare genetic deafness. Last evaluated: 2024-03-29. Review status: criteria provided, single submitter. Criteria: ACMG Guidelines, 2015. Collection method: clinical testing. Allele origin: germline. Inheritance: Autosomal recessive inheritance.
Comment: The p.Arg32Cys variant in GJB2 has been reported in at least 13 individuals with hearing loss, including 3 homozygotes and 8 compound heterozygotes, and segregated with hearing loss in two affected relatives from 2 families (Prasad 2000 PMID: 11102979, Cryns 2004 PMID: 14985372, Primignani 2009 PMID: 19371219, Dai 2009 PMID: 19366456, Shan 2010 PMID: 20381175, Dodson 2011 PMID: 21465647, Bazazzadegan 2012 PMID: 22695344, Xia 2016 PMID: 27045574, Moctar 2016 PMID: 27067584, LMM data). This variant has also been reported by other clinical laboratories in ClinVar (Variation ID 188758). It has been identified in 0.036% (27/74926) of African chromosomes by gnomAD (v.4.0.0); however, its frequency is low enough to be consistent with the carrier frequency for autosomal recessive hearing loss. Computational prediction tools and conservation analyses suggest that this variant may impact the protein, though this information is not predictive enough to determine pathogenicity. Another variant involving this codon (p.Arg32His) has been identified in individuals with hearing loss and is classified as pathogenic by this laboratory. In summary, the p.Arg32Cys variant meets criteria to be classified as pathogenic for autosomal recessive hearing loss. ACMG/AMP Criteria applied: PM3_VeryStrong, PP1_Moderate, PM5, PM2_Supporting, PP3.

Clinical Genetics Laboratory, Skane University Hospital Lund
Classification: Pathogenic. Last evaluated: 2022-05-27. Review status: criteria provided, single submitter. Criteria: ACMG Guidelines, 2015. Collection method: clinical testing. Allele origin: germline. Affected: yes.

NM_004004.6(GJB2):c.94C>T (p.Arg32Cys)

Gene: GJB2 (gap junction protein beta 2; minus strand). Cytogenetic location: 13q12.11.
Variant type: single nucleotide variant.
Coding change: c.94C>T on transcript NM_004004.6 (MANE Select); coding-DNA position 94, C replaced by T.
Protein change: p.Arg32Cys; replaces arginine 32 with cysteine.
Molecular consequence: missense variant.
Genome position (GRCh38, 1-based): chr13:20,189,488, G>A on the plus strand (C>T on the coding strand, the complement: GJB2 is on the minus strand). VCF-style: chr13-20189488-G-A. GRCh37 (hg19) VCF-style: chr13-20763627-G-A.
Other names: short protein forms R32C.
Identifiers: ClinVar variation 188758 (VCV000188758.42), dbSNP rs371024165, ClinGen allele CA273921.